The following is an entry in ClinVar:

NM_001170629.2(CHD8):c.3539A>G (p.Asp1180Gly)

Gene: CHD8 (chromodomain helicase DNA binding protein 8; minus strand). Cytogenetic location: 14q11.2.
Variant type: single nucleotide variant.
Coding change: c.3539A>G on transcript NM_001170629.2 (MANE Select); coding-DNA position 3539, A replaced by G.
Protein change: p.Asp1180Gly; replaces aspartic acid 1180 with glycine.
Molecular consequence: missense variant.
Genome position (GRCh38, 1-based): chr14:21,403,192, T>C on the plus strand (A>G on the coding strand, the complement: CHD8 is on the minus strand). VCF-style: chr14-21403192-T-C. GRCh37 (hg19) VCF-style: chr14-21871351-T-C.
Other names: c.2702A>G, p.Asp901Gly (NM_020920.4); short protein forms D1180G, D901G.
Identifiers: ClinVar variation 3371416 (VCV003371416.1).

ClinVar aggregate classification (germline): Uncertain significance (1 of 4 stars; one submission).

Submission:

GeneDx
Classification: Uncertain significance. Last evaluated: 2024-03-25. Review status: criteria provided, single submitter. Criteria: GeneDx Variant Classification Process June 2021. Collection method: clinical testing. Allele origin: germline. Affected: yes.
Comment: Not observed at significant frequency in large population cohorts (gnomAD); In silico analysis supports that this missense variant has a deleterious effect on protein structure/function; Has not been previously published as pathogenic or benign to our knowledge